The following is an entry in ClinVar:

NM_000428.3(LTBP2):c.1738G>A (p.Val580Met)

Gene: LTBP2 (latent transforming growth factor beta binding protein 2; minus strand). Cytogenetic location: 14q24.3.
Variant type: single nucleotide variant.
Coding change: c.1738G>A on transcript NM_000428.3 (MANE Select); coding-DNA position 1738, G replaced by A.
Protein change: p.Val580Met; replaces valine 580 with methionine.
Molecular consequence: missense variant.
Genome position (GRCh38, 1-based): chr14:74,549,914, C>T on the plus strand (G>A on the coding strand, the complement: LTBP2 is on the minus strand). VCF-style: chr14-74549914-C-T. GRCh37 (hg19) VCF-style: chr14-75016617-C-T.
Other names: short protein forms V580M.
Identifiers: ClinVar variation 1478839 (VCV001478839.4), dbSNP rs199695534, ClinGen allele CA7269786.

ClinVar aggregate classification (germline): Uncertain significance (1 of 4 stars; one submission).

Allele frequency attached by ClinVar (database versions not stated): gnomAD exomes 0.00001 and 0.00002; ExAC 0.00002; ESP Exome Variant Server 0.00008; TOPMed 0.00014; gnomAD 0.00016; 1000 Genomes Project 0.00040; 1000 Genomes Project 30x 0.00047.

Submission:

Labcorp Genetics (formerly Invitae), Labcorp
Classification: Uncertain significance. Last evaluated: 2022-05-27. Review status: criteria provided, single submitter. Criteria: Invitae Variant Classification Sherloc (09022015). Collection method: clinical testing. Allele origin: germline.
Comment: This sequence change replaces valine, which is neutral and non-polar, with methionine, which is neutral and non-polar, at codon 580 of the LTBP2 protein (p.Val580Met). This variant is present in population databases (rs199695534, gnomAD 0.05%). This variant has not been reported in the literature in individuals affected with LTBP2-related conditions. Algorithms developed to predict the effect of missense changes on protein structure and function are either unavailable or do not agree on the potential impact of this missense change (SIFT: "Deleterious"; PolyPhen-2: "Probably Damaging"; Align-GVGD: "Class C15"). In summary, the available evidence is currently insufficient to determine the role of this variant in disease. Therefore, it has been classified as a Variant of Uncertain Significance.